The following is an entry in ClinVar:

ClinVar aggregate classification (germline): Benign/Likely benign. Review status: criteria provided, multiple submitters, no conflicts (2 of 4 stars). 5 submissions from 5 submitters: Benign (2); Likely benign (2). 1 of the submissions does not count toward it. Last evaluated 2025-12-15.

Conditions:
Autosomal recessive hypophosphatemic bone disease (HHRH). Also called: Hypophosphatemic rickets with hypercalciuria; HYPERCALCIURIC RICKETS. Identifiers: Orphanet 157215, MedGen C1853271, MONDO:0009431, OMIM 241530.
SLC34A3-related disorder. Also called: SLC34A3-related condition.

Allele frequency attached by ClinVar (database versions not stated): gnomAD 0.00019 and 0.00023; TOPMed 0.00023; 1000 Genomes Project 30x 0.00031; 1000 Genomes Project 0.00040; gnomAD exomes 0.00043; ExAC 0.00053.
gnomAD v4.1: 479 of 1,609,948 alleles (0.03%); highest among the groups gnomAD compares: East Asian, 0.98%; 3 homozygotes.

Submissions (5):

Labcorp Genetics (formerly Invitae), Labcorp
Classification: Benign. Last evaluated: 2025-12-15. Review status: criteria provided, single submitter. Criteria: Invitae Variant Classification Sherloc (09022015). Collection method: clinical testing. Allele origin: germline.

Women's Health and Genetics/Laboratory Corporation of America, LabCorp
Classification: Benign. Last evaluated: 2025-04-03. Review status: criteria provided, single submitter. Criteria: LabCorp Variant Classification Summary - May 2015. Collection method: clinical testing. Allele origin: germline.
Comment: Variant summary: SLC34A3 c.1093+8C>T alters a nucleotide located close to a canonical splice site and therefore could affect mRNA splicing, leading to a significantly altered protein sequence. Several computational tools predict a significant impact on normal splicing: Three predict the variant no significant impact on splicing. One predict the variant weakens a 5' donor site. Two predict the variant creates a 5' donor site. However, these predictions have yet to be confirmed by functional studies. The variant allele was found at a frequency of 0.00043 in 242822 control chromosomes, predominantly at a frequency of 0.0054 within the East Asian subpopulation in the gnomAD database. The observed variant frequency within East Asian control individuals in the gnomAD database is approximately 3 fold of the estimated maximal expected allele frequency for a pathogenic variant in SLC34A3 causing Hereditary Hypophosphatemic Rickets With Hypercalciuria phenotype (0.0018). To our knowledge, no occurrence of c.1093+8C>T in individuals affected with Hereditary Hypophosphatemic Rickets With Hypercalciuria and no experimental evidence demonstrating its impact on protein function have been reported. ClinVar contains an entry for this variant (Variation ID: 1553287). Based on the evidence outlined above, the variant was classified as benign.

Blueprint Genetics
Classification: Likely benign. Last evaluated: 2023-02-09. Review status: criteria provided, single submitter. Criteria: ACMG Guidelines, 2015. Collection method: clinical testing. Allele origin: germline.

Fulgent Genetics
Classification: Likely benign for Autosomal recessive hypophosphatemic bone disease. Last evaluated: 2021-09-10. Review status: criteria provided, single submitter. Criteria: ACMG Guidelines, 2015. Collection method: clinical testing. Allele origin: unknown.

PreventionGenetics, part of Exact Sciences
Classification: Likely benign for SLC34A3-related condition. Last evaluated: 2020-11-02. Review status: no assertion criteria provided. Collection method: clinical testing. Allele origin: germline. Not counted in ClinVar's aggregate classification.
Comment: This variant is classified as likely benign based on ACMG/AMP sequence variant interpretation guidelines (Richards et al. 2015 PMID: 25741868, with internal and published modifications).

NM_001177316.2(SLC34A3):c.1093+8C>T

Gene: SLC34A3 (solute carrier family 34 member 3; plus strand). Cytogenetic location: 9q34.3.
Variant type: single nucleotide variant.
Coding change: c.1093+8C>T on transcript NM_001177316.2 (MANE Select); 8 bases into the intron after coding-DNA position 1093, C replaced by T.
Molecular consequence: intron variant.
Genome position (GRCh38, 1-based): chr9:137,234,284, C>T. VCF-style: chr9-137234284-C-T. GRCh37 (hg19) VCF-style: chr9-140128736-C-T.
Other names: c.1093+8C>T (NM_001177317.2, NM_080877.3).
Identifiers: ClinVar variation 1553287 (VCV001553287.14), dbSNP rs201986644, ClinGen allele CA5364769.